The following is an entry in ClinVar:

NM_002529.4(NTRK1):c.851-38C>T

Gene: NTRK1 (neurotrophic receptor tyrosine kinase 1; plus strand). Cytogenetic location: 1q23.1.
Variant type: single nucleotide variant.
Coding change: c.851-38C>T on transcript NM_002529.4 (MANE Select); 38 bases into the intron before coding-DNA position 851, C replaced by T.
Molecular consequence: intron variant.
Genome position (GRCh38, 1-based): chr1:156,873,595, C>T. VCF-style: chr1-156873595-C-T. GRCh37 (hg19) VCF-style: chr1-156843387-C-T.
Other names: c.761-38C>T (NM_001007792.1); c.851-38C>T (NM_001012331.2).
Identifiers: ClinVar variation 4981558 (VCV004981558.1).

ClinVar aggregate classification (germline): Likely benign (1 of 4 stars; one submission).

Conditions:
NTRK1-related disorder. Also called: NTRK1-related condition.

gnomAD v4.1: 19 of 1,579,552 alleles (0.0012%); highest among the groups gnomAD compares: African/African-American, 0.011%; no homozygotes.

Submission:

PreventionGenetics, part of Exact Sciences
Classification: Likely benign for NTRK1-related condition. Last evaluated: 2026-03-10. Review status: criteria provided, single submitter. Criteria: ACMG Guidelines, 2015. Collection method: clinical testing. Allele origin: germline.
Comment: This variant is classified as likely benign based on ACMG/AMP sequence variant interpretation guidelines (Richards et al. 2015 PMID: 25741868, with internal and published modifications).